The following is an entry in ClinVar:

ClinVar aggregate classification (germline): Pathogenic. Review status: criteria provided, multiple submitters, no conflicts (2 of 4 stars). 3 submissions from 3 submitters: Pathogenic (3). Last evaluated 2024-02-12.

Conditions:
Peutz-Jeghers syndrome (PJS). Also called: Peutz-Jeghers polyposis; Periorificial lentiginosis syndrome; POLYPOSIS, HAMARTOMATOUS INTESTINAL; POLYPS-AND-SPOTS SYNDROME. Identifiers: Orphanet 2869, MedGen C0031269, MeSH D010580, MONDO:0008280, OMIM 175200.
Hereditary cancer-predisposing syndrome. Also called: Neoplastic Syndromes, Hereditary; Hereditary Cancer Syndrome; Hereditary neoplastic syndrome; Tumor predisposition. Identifiers: Orphanet 140162, MedGen C0027672, MeSH D009386, MONDO:0015356.

Submissions (3):

Myriad Genetics, Inc.
Classification: Pathogenic for Peutz-Jeghers syndrome. Last evaluated: 2024-02-12. Review status: criteria provided, single submitter. Criteria: Myriad Autosomal Dominant, Autosomal Recessive and X-Linked Classification Criteria (2023). Collection method: clinical testing. Allele origin: unknown.
Comment: This variant is considered pathogenic. This variant creates a frameshift predicted to result in premature protein truncation.

Ambry Genetics
Classification: Pathogenic for Hereditary cancer-predisposing syndrome. Last evaluated: 2023-12-05. Review status: criteria provided, single submitter. Criteria: Ambry Variant Classification Scheme 2023. Collection method: clinical testing. Allele origin: germline.
Comment: The c.526delG pathogenic mutation, located in coding exon 4 of the STK11 gene, results from a deletion of one nucleotide at nucleotide position 526, causing a translational frameshift with a predicted alternate stop codon (p.D176Tfs*111). This alteration has been observed in at least one individual with a personal and/or family history that is consistent with STK11-related disease (Ambry internal data). This variant is considered to be rare based on population cohorts in the Genome Aggregation Database (gnomAD). This alteration is expected to result in loss of function by premature protein truncation or nonsense-mediated mRNA decay. As such, this alteration is interpreted as a disease-causing mutation.

Division of Human Genetics, National Health Laboratory Service/University of the Witwatersrand
Classification: Pathogenic for Hereditary cancer-predisposing syndrome. Last evaluated: 2023-07-01. Review status: criteria provided, single submitter. Criteria: ACMG Guidelines, 2015. Collection method: research. Allele origin: germline. Affected: yes.

NM_000455.5(STK11):c.526del (p.Asp176fs)

Gene: STK11 (serine/threonine kinase 11; plus strand). Cytogenetic location: 19p13.3.
Variant type: Deletion.
Coding change: c.526del on transcript NM_000455.5 (MANE Select); coding-DNA position 526, one base deleted (G; older notation c.526delG).
Protein change: p.Asp176fs; shifts the reading frame from aspartic acid 176.
Molecular consequence: frameshift variant.
Genome position (GRCh38, 1-based): chr19:1,220,434, G deleted; the last of 2 consecutive G bases (chr19:1,220,433-1,220,434); deleting either gives the same sequence. VCF-style (leftmost placement, unchanged base first): chr19-1220432-AG-A. GRCh37 (hg19) VCF-style: chr19-1220431-AG-A.
Other names: c.526delG (NM_000455.4); c.526del (NM_000455.4); short protein forms D176fs.
Identifiers: ClinVar variation 825601 (VCV000825601.5), dbSNP rs1599926521, ClinGen allele CA915951581.